The following is an entry in ClinVar:

ClinVar aggregate classification (germline): Pathogenic (1 of 4 stars; one submission).

Conditions:
Developmental and epileptic encephalopathy, 31A. Also called: Epileptic encephalopathy, early infantile, 31; Developmental and epileptic encephalopathy, 31. Identifiers: Orphanet 2382, MedGen C4225357, MONDO:0014598, OMIM 616346.

Submission:

Labcorp Genetics (formerly Invitae), Labcorp
Classification: Pathogenic for Developmental and epileptic encephalopathy, 31A. Last evaluated: 2024-01-07. Review status: criteria provided, single submitter. Criteria: Invitae Variant Classification Sherloc (09022015). Collection method: clinical testing. Allele origin: unknown.
Comment: This variant is a gross deletion of the genomic region encompassing exon(s) 2-11 of the DNM1 gene. This deletion is out-of-frame, and is expected to create a premature termination codon and result in an absent or disrupted protein product. Loss-of-function variants in DNM1 are known to be pathogenic (PMID: 34172529). This variant has not been reported in the literature in individuals affected with DNM1-related conditions. For these reasons, this variant has been classified as Pathogenic.

Literature cited by the submitters: PubMed 34172529.

NC_000009.11:g.(?_130980490)_(130996406_?)del

Gene: DNM1 (dynamin 1; plus strand). Cytogenetic location: 9q34.11.
Variant type: Deletion.
Identifiers: ClinVar variation 3245261 (VCV003245261.1).